The following is an entry in ClinVar:

NM_001127222.2(CACNA1A):c.3043G>A (p.Gly1015Arg)

Gene: CACNA1A (calcium voltage-gated channel subunit alpha1 A; minus strand). Cytogenetic location: 19p13.13.
Variant type: single nucleotide variant.
Coding change: c.3043G>A on transcript NM_001127222.2 (MANE Select); coding-DNA position 3043, G replaced by A.
Protein change: p.Gly1015Arg; replaces glycine 1015 with arginine.
Molecular consequence: missense variant.
Genome position (GRCh38, 1-based): chr19:13,298,590, C>T on the plus strand (G>A on the coding strand, the complement: CACNA1A is on the minus strand). VCF-style: chr19-13298590-C-T. GRCh37 (hg19) VCF-style: chr19-13409404-C-T.
Other names: c.3055G>A, p.Gly1019Arg (NM_000068.4, NM_023035.3); c.3046G>A, p.Gly1016Arg (NM_001127221.2, NM_001174080.2); short protein forms G1016R, G1015R, G1019R.
Identifiers: ClinVar variation 391779 (VCV000391779.65), dbSNP rs190551509, ClinGen allele CA9240437.

ClinVar aggregate classification (germline): Conflicting classifications of pathogenicity. Review status: criteria provided, conflicting classifications (1 of 4 stars). 7 submissions from 7 submitters: Uncertain significance (3); Benign (1); Likely benign (3). Last evaluated 2026-01-12.

Conditions:
Developmental and epileptic encephalopathy, 42 (DEE42A). Also called: DEVELOPMENTAL AND EPILEPTIC ENCEPHALOPATHY 42A; EPILEPTIC ENCEPHALOPATHY, EARLY INFANTILE, 42A; Epileptic encephalopathy, early infantile, 42. Identifiers: MedGen C4310716, MONDO:0014917, OMIM 617106.
Episodic ataxia type 2 (EA2). Also called: ATAXIA, EPISODIC, WITH NYSTAGMUS; ATAXIA, FAMILIAL PAROXYSMAL; CEREBELLAR ATAXIA, PAROXYSMAL, ACETAZOLAMIDE-RESPONSIVE; CEREBELLOPATHY, HEREDITARY PAROXYSMAL; ACETAZOLAMIDE-RESPONSIVE HEREDITARY PAROXYSMAL CEREBELLAR ATAXIA; EPISODIC ATAXIA, NYSTAGMUS-ASSOCIATED. Identifiers: Orphanet 97, MedGen C1720416, MONDO:0007163, OMIM 108500.
Inborn genetic diseases. Identifiers: MedGen C0950123, MeSH D030342.

Allele frequency attached by ClinVar (database versions not stated): gnomAD exomes 0.00001 and 0.00003; ExAC 0.00005; TOPMed 0.00011; gnomAD 0.00013; 1000 Genomes Project 30x 0.00047; 1000 Genomes Project 0.00060.
gnomAD v4.1: 62 of 1,541,918 alleles (0.004%); highest among the groups gnomAD compares: African/African-American, 0.064%; 1 homozygote.

Submissions (7):

Ambry Genetics
Classification: Uncertain significance for Inborn genetic diseases. Last evaluated: 2026-01-12. Review status: criteria provided, single submitter. Criteria: Ambry Variant Classification Scheme 2023. Collection method: clinical testing. Allele origin: germline.
Comment: The c.3046G>A (p.G1016R) alteration is located in exon 19 (coding exon 19) of the CACNA1A gene. This alteration results from a G to A substitution at nucleotide position 3046, causing the glycine (G) at amino acid position 1016 to be replaced by an arginine (R). Based on data from gnomAD, the A allele has an overall frequency of 0.002% (4/176102) total alleles studied. The highest observed frequency was 0.027% (4/14716) of African alleles. Based on insufficient or conflicting evidence, the clinical significance of this alteration remains unclear.

Labcorp Genetics (formerly Invitae), Labcorp
Classification: Benign for Developmental and epileptic encephalopathy, 42; Episodic ataxia type 2. Last evaluated: 2026-01-09. Review status: criteria provided, single submitter. Criteria: Invitae Variant Classification Sherloc (09022015). Collection method: clinical testing. Allele origin: germline.

Blueprint Genetics
Classification: Likely benign. Last evaluated: 2024-06-27. Review status: criteria provided, single submitter. Criteria: ACMG Guidelines, 2015. Collection method: clinical testing. Allele origin: germline.

Athena Diagnostics
Classification: Uncertain significance. Last evaluated: 2021-08-11. Review status: criteria provided, single submitter. Criteria: Athena Diagnostics Criteria. Collection method: clinical testing. Allele origin: unknown.

GeneDx
Classification: Likely benign. Last evaluated: 2019-05-20. Review status: criteria provided, single submitter. Criteria: GeneDx Variant Classification Process June 2021. Collection method: clinical testing. Allele origin: germline. Affected: yes.

Mayo Clinic Laboratories, Mayo Clinic
Classification: Uncertain significance. Last evaluated: 2019-04-22. Review status: criteria provided, single submitter. Criteria: ACMG Guidelines, 2015. Collection method: clinical testing. Allele origin: germline. Observed: 1 variant allele.

CeGaT Center for Human Genetics Tuebingen
Classification: Likely benign. Last evaluated: 2018-07-01. Review status: criteria provided, single submitter. Criteria: CeGaT Center For Human Genetics Tuebingen Variant Classification Criteria Version 2. Collection method: clinical testing. Allele origin: germline. Affected: yes. Observed: 1 variant allele.